The following is an entry in ClinVar:

NM_001009999.3(KDM1A):c.770A>G (p.Gln257Arg)

Gene: KDM1A (lysine demethylase 1A; plus strand). Cytogenetic location: 1p36.12.
Variant type: single nucleotide variant.
Coding change: c.770A>G on transcript NM_001009999.3 (MANE Select); coding-DNA position 770, A replaced by G.
Protein change: p.Gln257Arg; replaces glutamine 257 with arginine.
Molecular consequence: missense variant.
Genome position (GRCh38, 1-based): chr1:23,053,819, A>G. VCF-style: chr1-23053819-A-G. GRCh37 (hg19) VCF-style: chr1-23380312-A-G.
Other names: c.710A>G, p.Gln237Arg (NM_001363654.2, NM_001410763.1, NM_015013.4); c.770A>G, p.Gln257Arg (NM_001410762.1); short protein forms Q237R, Q257R.
Identifiers: ClinVar variation 3863221 (VCV003863221.1).
Genomic context (GRCh38, chr1:23,053,819, plus strand): 5'-AGCTGCAGTTGTGGTTGGATAATCCAAAGATTCAGCTGACATTTGAGGCTACTCTCCAAC[A>G]ATTAGAAGCACCTTATAACAGTAAGTAGTGTGTTCAATAGGACTAATTTGTACTGGATTG-3'
Protein context (NP_001009999.1, residues 247-267): IQLTFEATLQ[Gln257Arg]LEAPYNSDTV

ClinVar aggregate classification (germline): Uncertain significance (1 of 4 stars; one submission).

Conditions:
Inborn genetic diseases. Identifiers: MedGen C0950123, MeSH D030342.

Submission:

Ambry Genetics
Classification: Uncertain significance for Inborn genetic diseases. Last evaluated: 2024-12-20. Review status: criteria provided, single submitter. Criteria: Ambry Variant Classification Scheme 2023. Collection method: clinical testing. Allele origin: germline.
Comment: The p.Q257R variant (also known as c.770A>G), located in coding exon 5 of the KDM1A gene, results from an A to G substitution at nucleotide position 770. The glutamine at codon 257 is replaced by arginine, an amino acid with highly similar properties. This amino acid position is conserved. In addition, the in silico prediction for this alteration is inconclusive. Based on the available evidence, the clinical significance of this variant remains unclear.